The following is an entry in ClinVar:

ClinVar aggregate classification (germline): Uncertain significance. Review status: criteria provided, multiple submitters, no conflicts (2 of 4 stars). 3 submissions from 3 submitters: Uncertain significance (3). Last evaluated 2025-10-15.

Conditions:
Hereditary spastic paraplegia 75. Also called: Spastic paraplegia 75, autosomal recessive. Identifiers: Orphanet 459056, MedGen C4225250, MONDO:0014729, OMIM 616680.

Allele frequency attached by ClinVar (database versions not stated): gnomAD exomes 0.00012 and 0.00011; ESP Exome Variant Server 0.00023; 1000 Genomes Project 30x 0.00016; TOPMed 0.00010; gnomAD 0.00011; ExAC 0.00013.
gnomAD v4.1: 198 of 1,614,072 alleles (0.012%); highest among the groups gnomAD compares: Non-Finnish European, 0.016%; no homozygotes.

Submissions (3):

Mayo Clinic Laboratories, Mayo Clinic
Classification: Uncertain significance. Last evaluated: 2025-10-15. Review status: criteria provided, single submitter. Criteria: ACMG Guidelines, 2015. Collection method: clinical testing. Allele origin: germline. Observed: 1 variant allele.

Labcorp Genetics (formerly Invitae), Labcorp
Classification: Uncertain significance for Hereditary spastic paraplegia 75. Last evaluated: 2022-06-04. Review status: criteria provided, single submitter. Criteria: Invitae Variant Classification Sherloc (09022015). Collection method: clinical testing. Allele origin: germline.
Comment: This sequence change replaces arginine, which is basic and polar, with tryptophan, which is neutral and slightly polar, at codon 605 of the MAG protein (p.Arg605Trp). This variant is present in population databases (rs73031735, gnomAD 0.02%). This variant has not been reported in the literature in individuals affected with MAG-related conditions. ClinVar contains an entry for this variant (Variation ID: 1488018). Algorithms developed to predict the effect of missense changes on protein structure and function are either unavailable or do not agree on the potential impact of this missense change (SIFT: "Deleterious"; PolyPhen-2: "Benign"; Align-GVGD: "Class C0"). In summary, the available evidence is currently insufficient to determine the role of this variant in disease. Therefore, it has been classified as a Variant of Uncertain Significance.

Breakthrough Genomics
Classification: Uncertain significance. Review status: criteria provided, single submitter. Criteria: ACMG Guidelines, 2015. Collection method: not provided. Allele origin: germline. Inheritance: Autosomal dominant inheritance. Affected: yes.

NM_002361.4(MAG):c.1813C>T (p.Arg605Trp)

Gene: MAG (myelin associated glycoprotein; plus strand). Cytogenetic location: 19q13.12.
Variant type: single nucleotide variant.
Coding change: c.1813C>T on transcript NM_002361.4 (MANE Select); coding-DNA position 1813, C replaced by T.
Protein change: p.Arg605Trp; replaces arginine 605 with tryptophan.
Molecular consequence: missense variant. On other transcripts: 3 prime UTR variant (1).
Genome position (GRCh38, 1-based): chr19:35,313,386, C>T. VCF-style: chr19-35313386-C-T. GRCh37 (hg19) VCF-style: chr19-35804289-C-T.
Other names: p.Arg605Trp; c.1738C>T, p.Arg580Trp (NM_001199216.2); c.*109C>T (NM_080600.3); short protein forms R580W, R605W.
Identifiers: ClinVar variation 1488018 (VCV001488018.5), dbSNP rs73031735, ClinGen allele CA9376428.
Genomic context (GRCh38, chr19:35,313,386, plus strand): 5'-GGCCTTCGGGGTGAGCCCCCAGAGCTGGACCTGAGCTATTCTCACTCGGACCTGGGGAAA[C>T]GGCCCACCAAGGACAGCTACACGCTGACGGAGGAGCTAGCTGAGTATGCTGAAATCCGGG-3'
Protein context (NP_002352.1, residues 595-615): LSYSHSDLGK[Arg605Trp]PTKDSYTLTE